The following is an entry in ClinVar:

ClinVar aggregate classification (germline): Uncertain significance. Review status: criteria provided, multiple submitters, no conflicts (2 of 4 stars). 4 submissions from 4 submitters: Uncertain significance (4). Last evaluated 2025-08-27.

Conditions:
Hereditary cancer-predisposing syndrome. Also called: Hereditary neoplastic syndrome; Neoplastic Syndromes, Hereditary; Tumor predisposition; Hereditary Cancer Syndrome. Identifiers: Orphanet 140162, MedGen C0027672, MeSH D009386, MONDO:0015356.
Juvenile polyposis syndrome (JPS). Identifiers: Orphanet 2929, MedGen C0345893, MONDO:0017380, OMIM 174900.

gnomAD v4.1: 12 of 1,613,818 alleles (0.00074%); highest among the groups gnomAD compares: East Asian, 0.0022%; no homozygotes.

Submissions (4):

Labcorp Genetics (formerly Invitae), Labcorp
Classification: Uncertain significance for Juvenile polyposis syndrome. Last evaluated: 2025-08-27. Review status: criteria provided, single submitter. Criteria: Invitae Variant Classification Sherloc (09022015). Collection method: clinical testing. Allele origin: germline.
Comment: This sequence change replaces tyrosine, which is neutral and polar, with serine, which is neutral and polar, at codon 318 of the BMPR1A protein (p.Tyr318Ser). This variant is present in population databases (no rsID available, gnomAD 0.005%). This variant has not been reported in the literature in individuals affected with BMPR1A-related conditions. ClinVar contains an entry for this variant (Variation ID: 411625). Invitae Evidence Modeling of protein sequence and biophysical properties (such as structural, functional, and spatial information, amino acid conservation, physicochemical variation, residue mobility, and thermodynamic stability) has been performed for this missense variant. However, the output from this modeling did not meet the statistical confidence thresholds required to predict the impact of this variant on BMPR1A protein function. In summary, the available evidence is currently insufficient to determine the role of this variant in disease. Therefore, it has been classified as a Variant of Uncertain Significance.

Ambry Genetics
Classification: Uncertain significance for Hereditary cancer-predisposing syndrome. Last evaluated: 2025-04-22. Review status: criteria provided, single submitter. Criteria: Ambry Variant Classification Scheme 2023. Collection method: clinical testing. Allele origin: germline.
Comment: The p.Y318S variant (also known as c.953A>C), located in coding exon 8 of the BMPR1A gene, results from an A to C substitution at nucleotide position 953. The tyrosine at codon 318 is replaced by serine, an amino acid with dissimilar properties. This amino acid position is well conserved in available vertebrate species. In addition, the in silico prediction for this alteration is inconclusive. Based on the available evidence, the clinical significance of this alteration remains unclear.

Color Diagnostics, LLC DBA Color Health
Classification: Uncertain significance for Hereditary cancer-predisposing syndrome. Last evaluated: 2023-12-04. Review status: criteria provided, single submitter. Criteria: ACMG Guidelines, 2015. Collection method: clinical testing. Allele origin: germline.
Comment: This missense variant replaces tyrosine with serine at codon 318 of the BMPR1A protein. Computational prediction is inconclusive regarding the impact of this variant on protein structure and function (internally defined REVEL score threshold 0.5 < inconclusive < 0.7, PMID: 27666373). To our knowledge, functional studies have not been reported for this variant. This variant has not been reported in individuals affected with BMPR1A-related disorders in the literature. This variant has been identified in 2/282504 chromosomes in the general population by the Genome Aggregation Database (gnomAD). The available evidence is insufficient to determine the role of this variant in disease conclusively. Therefore, this variant is classified as a Variant of Uncertain Significance.

All of Us Research Program, National Institutes of Health
Classification: Uncertain significance for Juvenile polyposis syndrome. Last evaluated: 2023-03-04. Review status: criteria provided, single submitter. Criteria: ACMG Guidelines, 2015. Collection method: clinical testing. Allele origin: germline. Inheritance: Autosomal dominant inheritance. Observed: 1 variant allele, 1 heterozygote.
Comment: This study involves interpretation of variants in research participants for the purpose of population health screening. Participant phenotype was not available at the time of variant classification. Additional details can be found in publication PMID: 35346344, PMCID: PMC8962531

NM_004329.3(BMPR1A):c.953A>C (p.Tyr318Ser)

Gene: BMPR1A (bone morphogenetic protein receptor type 1A; plus strand). Cytogenetic location: 10q23.2.
Variant type: single nucleotide variant.
Coding change: c.953A>C on transcript NM_004329.3 (MANE Select); coding-DNA position 953, A replaced by C.
Protein change: p.Tyr318Ser; replaces tyrosine 318 with serine.
Molecular consequence: missense variant.
Genome position (GRCh38, 1-based): chr10:86,919,256, A>C. VCF-style: chr10-86919256-A-C. GRCh37 (hg19) VCF-style: chr10-88679013-A-C.
Other names: short protein forms Y318S.
Identifiers: ClinVar variation 411625 (VCV000411625.20), dbSNP rs587778111, ClinGen allele CA16613213.